The following is an entry in ClinVar:

ClinVar aggregate classification (germline): Uncertain significance (1 of 4 stars; one submission).

Submission:

Women's Health and Genetics/Laboratory Corporation of America, LabCorp
Classification: Uncertain significance. Last evaluated: 2024-02-29. Review status: criteria provided, single submitter. Criteria: LabCorp Variant Classification Summary - May 2015. Collection method: clinical testing. Allele origin: germline.
Comment: Variant summary: GAN c.1338_1339delinsAA (p.Gln447Lys) results in a conservative amino acid change in the encoded protein sequence. Two of four in-silico tools predict a benign effect of the variant on protein function. The delins variant was not reported in 251436 control chromosomes, although two separate variants which would lead to this change if in cis were each reported at the same frequency of 3.98e-6 (gnomAD). The available data on variant occurrences in the general population are insufficient to allow any conclusion about variant significance. To our knowledge, no occurrence of c.1338_1339delinsAA in individuals affected with Giant Axonal Neuropathy 1 and no experimental evidence demonstrating its impact on protein function have been reported. No submitters have cited clinical-significance assessments for this variant to ClinVar. Based on the evidence outlined above, the variant was classified as uncertain significance.

NM_022041.4(GAN):c.1338_1339delinsAA (p.Gln447Lys)

Gene: GAN (gigaxonin; plus strand). Cytogenetic location: 16q23.2.
Variant type: Indel.
Coding change: c.1338_1339delinsAA on transcript NM_022041.4 (MANE Select); coding-DNA positions 1338 to 1339, GC replaced by AA.
Protein change: p.Gln447Lys; replaces glutamine 447 with lysine.
Molecular consequence: missense variant.
Genome position (GRCh38, 1-based): chr16:81,365,075-81,365,076, GC replaced by AA. VCF-style: chr16-81365075-GC-AA. GRCh37 (hg19) VCF-style: chr16-81398680-GC-AA.
Other names: c.699_700delinsAA, p.Gln234Lys (NM_001377486.1); short protein forms Q234K, Q447K.
Identifiers: ClinVar variation 3068754 (VCV003068754.2), dbSNP rs2507749836, ClinGen allele CA2825002452.